The following is an entry in ClinVar:

ClinVar aggregate classification (germline): Uncertain significance. Review status: criteria provided, multiple submitters, no conflicts (2 of 4 stars). 2 submissions from 2 submitters: Uncertain significance (2). Last evaluated 2025-01-17.

Submissions (2):

Ambry Genetics
Classification: Uncertain significance. Last evaluated: 2025-01-17. Review status: criteria provided, single submitter. Criteria: Ambry Variant Classification Scheme 2023. Collection method: clinical testing. Allele origin: germline.

Labcorp Genetics (formerly Invitae), Labcorp
Classification: Uncertain significance. Last evaluated: 2022-07-30. Review status: criteria provided, single submitter. Criteria: Invitae Variant Classification Sherloc (09022015). Collection method: clinical testing. Allele origin: germline.
Comment: This sequence change replaces glycine, which is neutral and non-polar, with aspartic acid, which is acidic and polar, at codon 216 of the CFD protein (p.Gly216Asp). This variant is present in population databases (no rsID available, gnomAD 0.03%). This variant has not been reported in the literature in individuals affected with CFD-related conditions. ClinVar contains an entry for this variant (Variation ID: 1484762). Algorithms developed to predict the effect of missense changes on protein structure and function output the following: SIFT: "Not Available"; PolyPhen-2: "Benign"; Align-GVGD: "Not Available". The aspartic acid amino acid residue is found in multiple mammalian species, which suggests that this missense change does not adversely affect protein function. In summary, the available evidence is currently insufficient to determine the role of this variant in disease. Therefore, it has been classified as a Variant of Uncertain Significance.

NM_001928.4(CFD):c.647G>A (p.Gly216Asp)

Gene: CFD (complement factor D; plus strand). Cytogenetic location: 19p13.3.
Variant type: single nucleotide variant.
Coding change: c.647G>A on transcript NM_001928.4 (MANE Select); coding-DNA position 647, G replaced by A.
Protein change: p.Gly216Asp; replaces glycine 216 with aspartic acid.
Molecular consequence: missense variant.
Genome position (GRCh38, 1-based): chr19:863,123, G>A. VCF-style: chr19-863123-G-A. GRCh37 (hg19) VCF-style: chr19-863123-G-A.
Other names: c.668G>A, p.Gly223Asp (NM_001317335.2); c.647G>A (NM_001928.2); short protein forms G216D, G223D.
Identifiers: ClinVar variation 1484762 (VCV001484762.6), dbSNP rs988200001, ClinGen allele CA303955743.